The following is an entry in ClinVar:

NM_000138.5(FBN1):c.2540-13C>T

Gene: FBN1 (fibrillin 1; minus strand). Cytogenetic location: 15q21.1.
Variant type: single nucleotide variant.
Coding change: c.2540-13C>T on transcript NM_000138.5 (MANE Select); 13 bases into the intron before coding-DNA position 2540, C replaced by T.
Molecular consequence: intron variant.
Genome position (GRCh38, 1-based): chr15:48,495,273, G>A on the plus strand (C>T on the coding strand, the complement: FBN1 is on the minus strand). VCF-style: chr15-48495273-G-A. GRCh37 (hg19) VCF-style: chr15-48787470-G-A.
Identifiers: ClinVar variation 387785 (VCV000387785.4), dbSNP rs1057522904, ClinGen allele CA16607813.
Genomic context (GRCh38, chr15:48,495,273, plus strand): 5'-CACATCGCCCATCAATGACAGTCTGCCAGCAAGTGCCCTTGATGGTTTCTGCAGAGGAGG[G>A]AATAATATTTAATAGAATCTATATAAAAATTCAAACATACACCTTGGAATTATAGACAAA-3'

ClinVar aggregate classification (germline): Likely benign. Review status: criteria provided, multiple submitters, no conflicts (2 of 4 stars). 3 submissions from 3 submitters: Likely benign (3). Last evaluated 2025-04-10.

Conditions:
Marfan syndrome (MFS). Also called: Marfan syndrome, classic; Marfan syndrome type 1; Marfan's syndrome; MARFAN SYNDROME, TYPE I; FBN1-Related Marfan Syndrome. Identifiers: Orphanet 284963, Orphanet 558, MedGen C0024796, MONDO:0007947, OMIM 154700.
Familial thoracic aortic aneurysm and aortic dissection (TAAD). Also called: Thoracic aortic aneurysms and dissections. Identifiers: Orphanet 91387, MedGen C4707243, MONDO:0019625.

Allele frequency attached by ClinVar (database versions not stated): TOPMed below 0.00001; gnomAD exomes 0.00001 and below 0.00001; gnomAD 0.00001.
gnomAD v4.1: 15 of 1,613,264 alleles (0.00093%); highest among the groups gnomAD compares: Non-Finnish European, 0.0013%; no homozygotes.

Submissions (3):

Labcorp Genetics (formerly Invitae), Labcorp
Classification: Likely benign for Marfan syndrome; Familial thoracic aortic aneurysm and aortic dissection. Last evaluated: 2025-04-10. Review status: criteria provided, single submitter. Criteria: Invitae Variant Classification Sherloc (09022015). Collection method: clinical testing. Allele origin: germline.

All of Us Research Program, National Institutes of Health
Classification: Likely benign for Marfan syndrome. Last evaluated: 2024-09-23. Review status: criteria provided, single submitter. Criteria: ACMG Guidelines, 2015. Collection method: clinical testing. Allele origin: germline. Inheritance: Autosomal dominant inheritance. Observed: 2 variant alleles, 2 heterozygotes.
Comment: This study involves interpretation of variants in research participants for the purpose of population health screening. Participant phenotype was not available at the time of variant classification. Additional details can be found in publication PMID: 35346344, PMCID: PMC8962531

GeneDx
Classification: Likely benign. Last evaluated: 2020-12-08. Review status: criteria provided, single submitter. Criteria: GeneDx Variant Classification Process June 2021. Collection method: clinical testing. Allele origin: germline. Affected: yes.